The following is an entry in ClinVar:

NM_001165963.4(SCN1A):c.1377+10C>T

Gene: SCN1A (sodium voltage-gated channel alpha subunit 1; minus strand). Cytogenetic location: 2q24.3.
Variant type: single nucleotide variant.
Coding change: c.1377+10C>T on transcript NM_001165963.4 (MANE Select); 10 bases into the intron after coding-DNA position 1377, C replaced by T.
Molecular consequence: intron variant.
Genome position (GRCh38, 1-based): chr2:166,046,760, G>A on the plus strand (C>T on the coding strand, the complement: SCN1A is on the minus strand). VCF-style: chr2-166046760-G-A. GRCh37 (hg19) VCF-style: chr2-166903270-G-A.
Other names: c.1377+10C>T (NM_001353949.2, NM_001353958.2, NM_001353950.2 and 10 more transcripts); c.-1049+10C>T (NM_001353961.2).
Identifiers: ClinVar variation 138972 (VCV000138972.18), dbSNP rs56112036, ClinGen allele CA303073.

ClinVar aggregate classification (germline): Benign. Review status: criteria provided, multiple submitters, no conflicts (2 of 4 stars). 5 submissions from 5 submitters: Benign (5). Last evaluated 2026-01-28.

Conditions:
Early-infantile DEE. Also called: Ohtahara syndrome; Early infantile epileptic encephalopathy with suppression bursts; Early infantile epileptic encephalopathy. Identifiers: Orphanet 1934, MedGen C0393706, MONDO:0800491.

Allele frequency attached by ClinVar (database versions not stated): gnomAD 0.00231 and 0.00248; 1000 Genomes Project 0.00240; ExAC 0.00064; 1000 Genomes Project 30x 0.00250; gnomAD exomes 0.00020 and 0.00056; TOPMed 0.00224; ESP Exome Variant Server 0.00246.
gnomAD v4.1: 645 of 1,613,134 alleles (0.04%); highest among the groups gnomAD compares: African/African-American, 0.78%; 3 homozygotes.

Submissions (5):

Labcorp Genetics (formerly Invitae), Labcorp
Classification: Benign for Early-infantile DEE. Last evaluated: 2026-01-28. Review status: criteria provided, single submitter. Criteria: Invitae Variant Classification Sherloc (09022015). Collection method: clinical testing. Allele origin: germline.

Athena Diagnostics
Classification: Benign. Last evaluated: 2020-01-06. Review status: criteria provided, single submitter. Criteria: Athena Diagnostics Criteria. Collection method: clinical testing. Allele origin: unknown.

Eurofins Ntd Llc (ga)
Classification: Benign. Last evaluated: 2014-07-08. Review status: criteria provided, single submitter. Criteria: EGL Classification Definitions 2015. Collection method: clinical testing. Allele origin: germline. Observed: 2 variant alleles, 2 heterozygotes.

GeneDx
Classification: Benign. Last evaluated: 2013-01-25. Review status: criteria provided, single submitter. Criteria: GeneDx Variant Classification (06012015). Collection method: clinical testing. Allele origin: germline. Affected: yes.
Comment: This variant is considered likely benign or benign based on one or more of the following criteria: it is a conservative change, it occurs at a poorly conserved position in the protein, it is predicted to be benign by multiple in silico algorithms, and/or has population frequency not consistent with disease.

PreventionGenetics, part of Exact Sciences
Classification: Benign. Review status: criteria provided, single submitter. Criteria: ACMG Guidelines, 2015. Collection method: clinical testing. Allele origin: germline.